The following is an entry in ClinVar:

NC_000005.10:g.132640805AGTA[3]

Genes: RAD50 (RAD50 double strand break repair protein; plus strand), TH2-LCR (Th2 cytokine locus control region; plus strand), TH2LCRR (T helper type 2 locus control region associated RNA; minus strand). Cytogenetic location: 5q31.1.
Variant type: Microsatellite.
Genome position: GRCh38 VCF-style: chr5-132640804-G-GAGTA. GRCh37 (hg19) VCF-style: chr5-131976496-G-GAGTA.
Identifiers: ClinVar variation 2020383 (VCV002020383.5), ClinGen allele CA3405655.
Genomic context (GRCh38, chr5:132,640,804, plus strand): 5'-GATGAGCCAACAACAAATCTTGACCGAGAAAACATTGAATCTCTTGCACATGCTCTGGTT[G>GAGTA]AGTAAGTATCTCTTGCACATGCTCTGGTTGAGTAAGTATCTCACATTTGGGGACAGGTTG-3'

ClinVar aggregate classification (germline): Uncertain significance (1 of 4 stars; one submission).

Conditions:
Hereditary cancer-predisposing syndrome. Also called: Neoplastic Syndromes, Hereditary; Tumor predisposition; Hereditary Cancer Syndrome; Hereditary neoplastic syndrome. Identifiers: Orphanet 140162, MedGen C0027672, MeSH D009386, MONDO:0015356.

Submission:

Labcorp Genetics (formerly Invitae), Labcorp
Classification: Uncertain significance for Hereditary cancer-predisposing syndrome. Last evaluated: 2022-07-29. Review status: criteria provided, single submitter. Criteria: Invitae Variant Classification Sherloc (09022015). Collection method: clinical testing. Allele origin: germline.
Comment: In summary, the available evidence is currently insufficient to determine the role of this variant in disease. Therefore, it has been classified as a Variant of Uncertain Significance. Algorithms developed to predict the effect of sequence changes on RNA splicing suggest that this variant may create or strengthen a splice site. This variant has not been reported in the literature in individuals affected with RAD50-related conditions. This variant is present in population databases (rs771842362, gnomAD 0.006%). This sequence change falls in intron 24 of the RAD50 gene. It does not directly change the encoded amino acid sequence of the RAD50 protein.